The following is an entry in ClinVar:

ClinVar aggregate classification (germline): Likely pathogenic. Review status: criteria provided, multiple submitters, no conflicts (2 of 4 stars). 4 submissions from 4 submitters: Likely pathogenic (4). Last evaluated 2025-06-04.

Conditions:
Pyridoxine-dependent epilepsy (EPEO4). Also called: EPILEPSY, EARLY-ONSET, 4, VITAMIN B6-DEPENDENT; Pyridoxine-Dependent Seizures; Pyridoxine-Dependent Epilepsy - ALDH7A1; PYRIDOXINE DEPENDENCY WITH SEIZURES. Identifiers: Orphanet 3006, MedGen C1849508, MONDO:0009945, OMIM 266100. Disease mechanism: loss of function.
Abnormal brain morphology. Also called: Abnormality of brain morphology. Identifiers: MedGen C4021085, HP:0012443.

gnomAD v4.1: 1 of 1,614,180 alleles (0.000062%); highest among the groups gnomAD compares: Middle Eastern, 0.016%; no homozygotes.

Submissions (4):

First Genomix Gene Laboratory, Genetic Diagnostics Department
Classification: Likely pathogenic for Pyridoxine-dependent epilepsy. Last evaluated: 2025-06-04. Review status: criteria provided, single submitter. Criteria: ACMG Guidelines, 2015. Collection method: clinical testing. Allele origin: germline. Inheritance: Autosomal recessive inheritance. Affected: no. Observed: 1 variant allele.

Women's Health and Genetics/Laboratory Corporation of America, LabCorp
Classification: Likely pathogenic for Pyridoxine-dependent epilepsy. Last evaluated: 2024-08-23. Review status: criteria provided, single submitter. Criteria: LabCorp Variant Classification Summary - May 2015. Collection method: clinical testing. Allele origin: germline.
Comment: Variant summary: ALDH7A1 c.571A>G (p.Ile191Val) results in a conservative amino acid change located in the Aldehyde dehydrogenase domain (IPR015590) of the encoded protein sequence. Four of five in-silico tools predict a damaging effect of the variant on protein function. The variant was absent in 251476 control chromosomes. c.571A>G has been reported in the literature in a setting of whole exome sequencing in homozygous individuals affected with clinical features of Pyridoxine-Dependent Epilepsy (e.g. Karaca_2015). These data indicate that the variant is likely to be associated with disease. To our knowledge, no experimental evidence demonstrating an impact on protein function has been reported. The following publication have been ascertained in the context of this evaluation (PMID: 26539891). ClinVar contains an entry for this variant (Variation ID: 402176). Based on the evidence outlined above, the variant was classified as likely pathogenic.

Kariminejad - Najmabadi Pathology & Genetics Center
Classification: Likely pathogenic for Pyridoxine-dependent epilepsy. Review status: criteria provided, single submitter. Criteria: ACMG Guidelines, 2015. Collection method: clinical testing. Allele origin: germline. Affected: no.

Lupski Lab, Baylor-Hopkins CMG, Baylor College of Medicine
Classification: Likely pathogenic for Abnormal brain morphology. Review status: criteria provided, single submitter. Criteria: Karaca et al. (Neuron 2015). Collection method: research. Allele origin: inherited. Inheritance: Autosomal recessive inheritance. Affected: yes.

Literature cited by the submitters: PubMed 26539891 (cited by Women's Health and Genetics/Laboratory Corporation of America, LabCorp).

NM_001182.5(ALDH7A1):c.571A>G (p.Ile191Val)

Gene: ALDH7A1 (aldehyde dehydrogenase 7 family member A1; minus strand). Cytogenetic location: 5q23.2.
Variant type: single nucleotide variant.
Coding change: c.571A>G on transcript NM_001182.5 (MANE Select); coding-DNA position 571, A replaced by G.
Protein change: p.Ile191Val; replaces isoleucine 191 with valine.
Molecular consequence: missense variant.
Genome position (GRCh38, 1-based): chr5:126,577,158, T>C on the plus strand (A>G on the coding strand, the complement: ALDH7A1 is on the minus strand). VCF-style: chr5-126577158-T-C. GRCh37 (hg19) VCF-style: chr5-125912850-T-C.
Other names: c.487A>G, p.Ile163Val (NM_001201377.2); c.571A>G, p.Ile191Val (NM_001202404.2); short protein forms I191V, I163V.
Identifiers: ClinVar variation 402176 (VCV000402176.4), dbSNP rs1060499755, ClinGen allele CA16609510.